The following is an entry in ClinVar:

NM_001164508.2(NEB):c.18122T>C (p.Ile6041Thr)

Gene: NEB (nebulin; minus strand). Cytogenetic location: 2q23.3.
Variant type: single nucleotide variant.
Coding change: c.18122T>C on transcript NM_001164508.2 (MANE Select); coding-DNA position 18122, T replaced by C.
Protein change: p.Ile6041Thr; replaces isoleucine 6041 with threonine.
Molecular consequence: missense variant.
Genome position (GRCh38, 1-based): chr2:151,567,202, A>G on the plus strand (T>C on the coding strand, the complement: NEB is on the minus strand). VCF-style: chr2-151567202-A-G. GRCh37 (hg19) VCF-style: chr2-152423716-A-G.
Other names: c.18122T>C, p.Ile6041Thr (NM_001164507.2, NM_001271208.2); c.13019T>C, p.Ile4340Thr (NM_004543.5); short protein forms I4340T, I6041T.
Identifiers: ClinVar variation 962485 (VCV000962485.9), dbSNP rs2096445948, ClinGen allele CA348802891.

ClinVar aggregate classification (germline): Uncertain significance (1 of 4 stars; one submission).

Conditions:
Nemaline myopathy 2 (NEM2). Also called: Nemaline myopathy 2, autosomal recessive. Identifiers: MedGen C1850569, MONDO:0009725, OMIM 256030.

Submission:

Labcorp Genetics (formerly Invitae), Labcorp
Classification: Uncertain significance for Nemaline myopathy 2. Last evaluated: 2022-07-06. Review status: criteria provided, single submitter. Criteria: Invitae Variant Classification Sherloc (09022015). Collection method: clinical testing. Allele origin: germline.
Comment: In summary, the available evidence is currently insufficient to determine the role of this variant in disease. Therefore, it has been classified as a Variant of Uncertain Significance. Algorithms developed to predict the effect of missense changes on protein structure and function are either unavailable or do not agree on the potential impact of this missense change (SIFT: "Deleterious"; PolyPhen-2: "Not Available"; Align-GVGD: "Class C0"). ClinVar contains an entry for this variant (Variation ID: 962485). This variant has not been reported in the literature in individuals affected with NEB-related conditions. This variant is not present in population databases (gnomAD no frequency). This sequence change replaces isoleucine, which is neutral and non-polar, with threonine, which is neutral and polar, at codon 6041 of the NEB protein (p.Ile6041Thr).